The following is an entry in ClinVar:

ClinVar aggregate classification (germline): Uncertain significance (1 of 4 stars; one submission).

gnomAD v4.1: 5 of 1,613,642 alleles (0.00031%); highest among the groups gnomAD compares: Non-Finnish European, 0.00042%; no homozygotes.

Submission:

GeneDx
Classification: Uncertain significance. Last evaluated: 2019-12-24. Review status: criteria provided, single submitter. Criteria: GeneDx Variant Classification Process June 2021. Collection method: clinical testing. Allele origin: germline. Affected: yes.
Comment: Not observed in large population cohorts (Lek et al., 2016); In silico analysis, which includes protein predictors and evolutionary conservation, supports a deleterious effect; Has not been previously published as pathogenic or benign to our knowledge

NM_001378452.1(ITPR1):c.4655T>G (p.Val1552Gly)

Gene: ITPR1 (inositol 1,4,5-trisphosphate receptor type 1; plus strand). Cytogenetic location: 3p26.1.
Variant type: single nucleotide variant.
Coding change: c.4655T>G on transcript NM_001378452.1 (MANE Select); coding-DNA position 4655, T replaced by G.
Protein change: p.Val1552Gly; replaces valine 1552 with glycine.
Molecular consequence: missense variant.
Genome position (GRCh38, 1-based): chr3:4,702,948, T>G. VCF-style: chr3-4702948-T-G. GRCh37 (hg19) VCF-style: chr3-4744632-T-G.
Other names: c.4628T>G, p.Val1543Gly (NM_001099952.4); c.4610T>G, p.Val1537Gly (NM_001168272.2); c.4583T>G, p.Val1528Gly (NM_002222.7); short protein forms V1528G, V1537G, V1543G, V1552G.
Identifiers: ClinVar variation 1311379 (VCV001311379.2), dbSNP rs1252955044, ClinGen allele CA351634243.